The following is an entry in ClinVar:

NM_006231.4(POLE):c.423+82A>G

Gene: POLE (DNA polymerase epsilon, catalytic subunit; minus strand). Cytogenetic location: 12q24.33.
Variant type: single nucleotide variant.
Coding change: c.423+82A>G on transcript NM_006231.4 (MANE Select); 82 bases into the intron after coding-DNA position 423, A replaced by G.
Molecular consequence: intron variant.
Genome position (GRCh38, 1-based): chr12:132,679,872, T>C on the plus strand (A>G on the coding strand, the complement: POLE is on the minus strand). VCF-style: chr12-132679872-T-C. GRCh37 (hg19) VCF-style: chr12-133256458-T-C.
Other names: c.423+82A>G (NM_006231.3).
Identifiers: ClinVar variation 2445776 (VCV002445776.1), dbSNP rs2542189865, ClinGen allele CA2580086059.

ClinVar aggregate classification (germline): Uncertain significance (1 of 4 stars; one submission).

Submission:

Women's Health and Genetics/Laboratory Corporation of America, LabCorp
Classification: Uncertain significance. Last evaluated: 2023-02-10. Review status: criteria provided, single submitter. Criteria: LabCorp Variant Classification Summary - May 2015. Collection method: clinical testing. Allele origin: germline.
Comment: Variant summary: POLE c.423+82A>G is located at a position not widely known to affect splicing. 4/4 computational tools predict no significant impact on normal splicing. However, these predictions have yet to be confirmed by functional studies. The variant was absent in 150938 control chromosomes (gnomAD v3.1.2). The available data on variant occurrences in the general population are insufficient to allow any conclusion about variant significance. To our knowledge, no occurrence of c.423+82A>G in individuals affected with Colorectal Cancer and no experimental evidence demonstrating its impact on protein function have been reported. No clinical diagnostic laboratories have submitted clinical-significance assessments for this variant to ClinVar after 2014. Based on the evidence outlined above, the variant was classified as VUS-possibly benign.